The following is an entry in ClinVar:

ClinVar aggregate classification (germline): Conflicting classifications of pathogenicity. Review status: criteria provided, conflicting classifications (1 of 4 stars). 9 submissions from 9 submitters: Uncertain significance (7); Likely benign (1). 1 of the submissions does not count toward it. Last evaluated 2025-10-29.

Conditions:
Familial cancer of breast. Also called: BREAST CANCER, FAMILIAL; Hereditary breast cancer; hereditary breast carcinoma. Identifiers: Orphanet 227535, MedGen C0346153, MONDO:0016419, OMIM 114480. Disease mechanism: loss of function.
Fanconi anemia complementation group N. Also called: PALB2-Related Fanconi Anemia. Identifiers: Orphanet 84, MedGen C1835817, MONDO:0012565, OMIM 610832. Disease mechanism: loss of function.
Pancreatic cancer, susceptibility to, 3. Identifiers: Orphanet 1333, MedGen C3150547, MONDO:0013236, OMIM 613348.
Hereditary cancer-predisposing syndrome. Also called: Hereditary Cancer Syndrome; Neoplastic Syndromes, Hereditary; Tumor predisposition; Hereditary neoplastic syndrome. Identifiers: Orphanet 140162, MedGen C0027672, MeSH D009386, MONDO:0015356.

Allele frequency attached by ClinVar (database versions not stated): TOPMed 0.00002; ESP Exome Variant Server 0.00008; 1000 Genomes Project 0.00020; 1000 Genomes Project 30x 0.00031.
gnomAD v4.1: 13 of 1,613,720 alleles (0.00081%); highest among the groups gnomAD compares: African/African-American, 0.011%; no homozygotes.

Submissions (9):

Labcorp Genetics (formerly Invitae), Labcorp
Classification: Uncertain significance for Familial cancer of breast. Last evaluated: 2025-10-29. Review status: criteria provided, single submitter. Criteria: Invitae Variant Classification Sherloc (09022015). Collection method: clinical testing. Allele origin: germline.
Comment: This sequence change replaces arginine, which is basic and polar, with leucine, which is neutral and non-polar, at codon 34 of the PALB2 protein (p.Arg34Leu). This variant is present in population databases (rs144944814, gnomAD 0.02%). This variant has not been reported in the literature in individuals affected with PALB2-related conditions. ClinVar contains an entry for this variant (Variation ID: 186920). An algorithm developed to predict the effect of missense changes on protein structure and function (PolyPhen-2) suggests that this variant is likely to be disruptive. In summary, the available evidence is currently insufficient to determine the role of this variant in disease. Therefore, it has been classified as a Variant of Uncertain Significance.

Myriad Genetics, Inc.
Classification: Likely benign for Familial cancer of breast. Last evaluated: 2025-01-09. Review status: criteria provided, single submitter. Criteria: Myriad Autosomal Dominant, Autosomal Recessive and X-Linked Classification Criteria (2023). Collection method: clinical testing. Allele origin: unknown.
Comment: This variant is considered likely benign. This variant is strongly associated with less severe personal and family histories of cancer, typical for individuals without pathogenic variants in this gene [PMID: 25085752].

Ambry Genetics
Classification: Uncertain significance for Hereditary cancer-predisposing syndrome. Last evaluated: 2024-09-24. Review status: criteria provided, single submitter. Criteria: Ambry Variant Classification Scheme 2023. Collection method: clinical testing. Allele origin: germline.
Comment: The p.R34L variant (also known as c.101G>T), located in coding exon 2 of the PALB2 gene, results from a G to T substitution at nucleotide position 101. The arginine at codon 34 is replaced by leucine, an amino acid with dissimilar properties. This alteration has been reported with a carrier frequency of 0.0000 in 53 unselected men with breast cancer and 0.0001 in 12490 male controls of Japanese ancestry (Momozawa Y et al. Nat Commun, 2018 10;9:4083). This amino acid position is highly conserved in available vertebrate species. In addition, the in silico prediction for this alteration is inconclusive. Based on the available evidence, the clinical significance of this variant remains unclear.

Color Diagnostics, LLC DBA Color Health
Classification: Uncertain significance for Hereditary cancer-predisposing syndrome. Last evaluated: 2024-08-06. Review status: criteria provided, single submitter. Criteria: ACMG Guidelines, 2015. Collection method: clinical testing. Allele origin: germline.
Comment: This missense variant replaces arginine with leucine at codon 34 of the PALB2 protein. Computational prediction suggests that this variant may not impact protein structure and function (internally defined REVEL score threshold <= 0.5, PMID: 27666373). To our knowledge, functional studies have not been reported for this variant. This variant has been reported in breast, pancreatic and prostate cancer case-control studies in which it was detected in 1 unaffected individual in each study and absent in cancer cases (PMID: 30287823, 31214711, 32980694). This variant has been identified in 5/282888 chromosomes in the general population by the Genome Aggregation Database (gnomAD). The available evidence is insufficient to determine the role of this variant in disease conclusively. Therefore, this variant is classified as a Variant of Uncertain Significance.

GeneDx
Classification: Uncertain significance. Last evaluated: 2024-01-10. Review status: criteria provided, single submitter. Criteria: GeneDx Variant Classification Process June 2021. Collection method: clinical testing. Allele origin: germline. Affected: yes.
Comment: Not observed at significant frequency in large population cohorts (gnomAD); In silico analysis supports that this missense variant has a deleterious effect on protein structure/function; Has not been previously published as pathogenic or benign to our knowledge; This variant is associated with the following publications: (PMID: 30287823, 20871615, 19369211, 36243179)

Baylor Genetics
Classification: Uncertain significance for Familial cancer of breast. Last evaluated: 2023-10-14. Review status: criteria provided, single submitter. Criteria: ACMG Guidelines, 2015. Collection method: clinical testing. Allele origin: unknown.

Fulgent Genetics
Classification: Uncertain significance for Familial cancer of breast; Fanconi anemia complementation group N; Pancreatic cancer, susceptibility to, 3. Last evaluated: 2022-04-14. Review status: criteria provided, single submitter. Criteria: ACMG Guidelines, 2015. Collection method: clinical testing. Allele origin: unknown.

Sema4
Classification: Uncertain significance for Hereditary cancer-predisposing syndrome. Last evaluated: 2022-02-23. Review status: criteria provided, single submitter. Criteria: Sema4 Curation Guidelines. Collection method: curation. Allele origin: germline.
Comment: To the best of our knowledge, the PALB2 c.101G>T (p.R34L) variant has not been reported in individuals with PALB2-related disease. It has been reported in a case-control study of breast cancer in 0/53 male cases and in 1/12,490 male controls (PMID: 30287823). It was observed in 5/24970 chromosomes of the African/African American subpopulation in the large and broad cohorts of the Genome Aggregation Database (PMID: 32461654). This variant has been reported in ClinVar (Variation ID 186920). Functional studies have not been performed, and in silico predictions of the variant's effect on protein function are inconclusive. The evidence is insufficient to meet ACMG/AMP criteria for classifying the variant as benign or pathogenic. Thus, the clinical significance of this variant is currently uncertain.

Leiden Open Variation Database
Classification: Uncertain significance. Last evaluated: 2018-08-25. Review status: no assertion criteria provided. Collection method: curation. Allele origin: germline. Affected: yes. Not counted in ClinVar's aggregate classification.
Comment: Curators: Marc Tischkowitz, Arleen D. Auerbach. Submitter to LOVD: Yukihide Momozawa.

Literature cited by the submitters: PubMed 25085752 (cited by Myriad Genetics, Inc.); PubMed 30287823 (cited by 4 submitters); PubMed 31214711 (cited by Color Diagnostics, LLC DBA Color Health); PubMed 32980694 (cited by Color Diagnostics, LLC DBA Color Health).

NM_024675.4(PALB2):c.101G>T (p.Arg34Leu)

Gene: PALB2 (partner and localizer of BRCA2; minus strand). Cytogenetic location: 16p12.2.
Variant type: single nucleotide variant.
Coding change: c.101G>T on transcript NM_024675.4 (MANE Select); coding-DNA position 101, G replaced by T.
Protein change: p.Arg34Leu; replaces arginine 34 with leucine.
Molecular consequence: missense variant.
Genome position (GRCh38, 1-based): chr16:23,638,077, C>A on the plus strand (G>T on the coding strand, the complement: PALB2 is on the minus strand). VCF-style: chr16-23638077-C-A. GRCh37 (hg19) VCF-style: chr16-23649398-C-A.
Other names: short protein forms R34L.
Identifiers: ClinVar variation 186920 (VCV000186920.27), dbSNP rs144944814, ClinGen allele CA196241.
Genomic context (GRCh38, chr16:23,638,077, plus strand): 5'-TTTTTAAATTGTTTGTACTATAACACCTTAATTTGAGAATACGATTCACTTACCTGAAGG[C>A]GGGCTAGTGTCTTGCTGTATTCCCTTTTCAAGAATGCTAATTTCTCCTTTAACTGGAAGA-3'
Protein context (NP_078951.2, residues 24-44): LKREYSKTLA[Arg34Leu]LQRAQRAEKI